The following is an entry in ClinVar:

NM_177438.3(DICER1):c.4220T>G (p.Met1407Arg)

Gene: DICER1 (dicer 1, ribonuclease III; minus strand). Cytogenetic location: 14q32.13.
Variant type: single nucleotide variant.
Coding change: c.4220T>G on transcript NM_177438.3 (MANE Select); coding-DNA position 4220, T replaced by G.
Protein change: p.Met1407Arg; replaces methionine 1407 with arginine.
Molecular consequence: missense variant.
Genome position (GRCh38, 1-based): chr14:95,096,700, A>C on the plus strand (T>G on the coding strand, the complement: DICER1 is on the minus strand). VCF-style: chr14-95096700-A-C. GRCh37 (hg19) VCF-style: chr14-95563037-A-C.
Other names: c.4220T>G, p.Met1407Arg (NM_001195573.1, NM_001271282.3, NM_001291628.2 and 1 more transcripts); short protein forms M1407R.
Identifiers: ClinVar variation 477193 (VCV000477193.17), dbSNP rs1555367920, ClinGen allele CA390869845.

ClinVar aggregate classification (germline): Uncertain significance. Review status: criteria provided, multiple submitters, no conflicts (2 of 4 stars). 2 submissions from 2 submitters: Uncertain significance (2). Last evaluated 2026-04-08.

Conditions:
DICER1-related tumor predisposition. Also called: DICER1-related pleuropulmonary blastoma cancer predisposition syndrome; DICER1 syndrome. Identifiers: Orphanet 284343, MedGen C3839822, MONDO:0100216.
Hereditary cancer-predisposing syndrome. Also called: Tumor predisposition; Hereditary neoplastic syndrome; Neoplastic Syndromes, Hereditary; Hereditary Cancer Syndrome. Identifiers: Orphanet 140162, MedGen C0027672, MeSH D009386, MONDO:0015356.

Submissions (2):

Ambry Genetics
Classification: Uncertain significance for Hereditary cancer-predisposing syndrome. Last evaluated: 2026-04-08. Review status: criteria provided, single submitter. Criteria: Ambry Variant Classification Scheme 2023. Collection method: clinical testing. Allele origin: germline.
Comment: The p.M1407R variant (also known as c.4220T>G), located in coding exon 22 of the DICER1 gene, results from a T to G substitution at nucleotide position 4220. The methionine at codon 1407 is replaced by arginine, an amino acid with similar properties. This amino acid position is poorly conserved in available vertebrate species. In addition, this alteration is predicted to be tolerated by in silico analysis. Since supporting evidence is limited at this time, the clinical significance of this alteration remains unclear.

Labcorp Genetics (formerly Invitae), Labcorp
Classification: Uncertain significance for DICER1-related tumor predisposition. Last evaluated: 2026-01-19. Review status: criteria provided, single submitter. Criteria: Invitae Variant Classification Sherloc (09022015). Collection method: clinical testing. Allele origin: germline.
Comment: This sequence change replaces methionine, which is neutral and non-polar, with arginine, which is basic and polar, at codon 1407 of the DICER1 protein (p.Met1407Arg). This variant is not present in population databases (gnomAD no frequency). This variant has not been reported in the literature in individuals affected with DICER1-related conditions. ClinVar contains an entry for this variant (Variation ID: 477193). Invitae Evidence Modeling of protein sequence and biophysical properties (such as structural, functional, and spatial information, amino acid conservation, physicochemical variation, residue mobility, and thermodynamic stability) indicates that this missense variant is not expected to disrupt DICER1 protein function with a negative predictive value of 95%. In summary, the available evidence is currently insufficient to determine the role of this variant in disease. Therefore, it has been classified as a Variant of Uncertain Significance.